The following is an entry in ClinVar:

ClinVar aggregate classification (germline): Benign/Likely benign. Review status: criteria provided, multiple submitters, no conflicts (2 of 4 stars). 4 submissions from 4 submitters: Benign (1); Likely benign (2). 1 of the submissions does not count toward it. Last evaluated 2025-09-24.

Conditions:
CHCHD2-related disorder. Also called: CHCHD2-related condition.

Allele frequency attached by ClinVar (database versions not stated): TOPMed 0.00070; ESP Exome Variant Server 0.00092; 1000 Genomes Project 30x 0.00344; gnomAD exomes 0.00395 and 0.00928; 1000 Genomes Project 0.00439; gnomAD 0.00743 and 0.00762; ExAC 0.00748.
gnomAD v4.1: 6,861 of 1,613,528 alleles (0.43%); highest among the groups gnomAD compares: East Asian, 1.1%; 252 homozygotes.

Submissions (4):

Mayo Clinic Laboratories, Mayo Clinic
Classification: Likely benign. Last evaluated: 2025-09-24. Review status: criteria provided, single submitter. Criteria: ACMG Guidelines, 2015. Collection method: clinical testing. Allele origin: germline. Observed: 1 variant allele.
Comment: BA1, BS2, BP4

Labcorp Genetics (formerly Invitae), Labcorp
Classification: Benign. Last evaluated: 2025-06-18. Review status: criteria provided, single submitter. Criteria: Invitae Variant Classification Sherloc (09022015). Collection method: clinical testing. Allele origin: germline.

CeGaT Center for Human Genetics Tuebingen
Classification: Likely benign. Last evaluated: 2023-01-01. Review status: criteria provided, single submitter. Criteria: CeGaT Center For Human Genetics Tuebingen Variant Classification Criteria Version 2. Collection method: clinical testing. Allele origin: germline. Affected: yes. Observed: 1 variant allele.
Comment: CHCHD2: BS2

PreventionGenetics, part of Exact Sciences
Classification: Likely benign for CHCHD2-related condition. Last evaluated: 2019-08-20. Review status: no assertion criteria provided. Collection method: clinical testing. Allele origin: germline. Not counted in ClinVar's aggregate classification.
Comment: This variant is classified as likely benign based on ACMG/AMP sequence variant interpretation guidelines (Richards et al. 2015 PMID: 25741868, with internal and published modifications).

Literature cited by the submitters: PubMed 26705026 (cited by Mayo Clinic Laboratories, Mayo Clinic); PubMed 27269965 (cited by Mayo Clinic Laboratories, Mayo Clinic); PubMed 27538669 (cited by Mayo Clinic Laboratories, Mayo Clinic); PubMed 27626775 (cited by Mayo Clinic Laboratories, Mayo Clinic); PubMed 27717833 (cited by Mayo Clinic Laboratories, Mayo Clinic); PubMed 28432706 (cited by Mayo Clinic Laboratories, Mayo Clinic); PubMed 29376860 (cited by Mayo Clinic Laboratories, Mayo Clinic); PubMed 29749507 (cited by Mayo Clinic Laboratories, Mayo Clinic); PubMed 31996268 (cited by Mayo Clinic Laboratories, Mayo Clinic).

NM_016139.4(CHCHD2):c.5C>T (p.Pro2Leu)

Genes: CHCHD2 (coiled-coil-helix-coiled-coil-helix domain containing 2; minus strand), LOC129998502 (ATAC-STARR-seq lymphoblastoid active region 26053; plus strand). Cytogenetic location: 7p11.2.
Variant type: single nucleotide variant.
Coding change: c.5C>T on transcript NM_016139.4 (MANE Select); coding-DNA position 5, C replaced by T.
Protein change: p.Pro2Leu; replaces proline 2 with leucine.
Molecular consequence: missense variant.
Genome position (GRCh38, 1-based): chr7:56,106,409, G>A on the plus strand (C>T on the coding strand, the complement: CHCHD2 is on the minus strand). VCF-style: chr7-56106409-G-A. GRCh37 (hg19) VCF-style: chr7-56174102-G-A.
Other names: p.Pro2Leu; c.5C>T (NM_016139.3); c.5C>T, p.Pro2Leu (NM_001320327.2); short protein forms P2L.
Identifiers: ClinVar variation 703422 (VCV000703422.42), dbSNP rs142444896, ClinGen allele CA4270634.